The following is an entry in ClinVar:

ClinVar aggregate classification (germline): Likely benign. Review status: criteria provided, multiple submitters, no conflicts (2 of 4 stars). 2 submissions from 2 submitters: Likely benign (2). Last evaluated 2026-09-08.

Conditions:
Autosomal dominant polycystic kidney disease. Identifiers: Orphanet 730, MedGen C0085413, MONDO:0004691.
PKD2-related disorder. Also called: PKD2-related condition.

Allele frequency attached by ClinVar (database versions not stated): gnomAD 0.00001; gnomAD exomes 0.00001 and 0.00002; TOPMed 0.00001.
gnomAD v4.1: 17 of 1,432,826 alleles (0.0012%); highest among the groups gnomAD compares: Middle Eastern, 0.023%; no homozygotes.

Submissions (2):

PreventionGenetics, part of Exact Sciences
Classification: Likely benign for PKD2-related condition. Last evaluated: 2026-09-08. Review status: criteria provided, single submitter. Criteria: ACMG Guidelines, 2015. Collection method: clinical testing. Allele origin: germline.
Comment: This variant is classified as likely benign based on ACMG/AMP sequence variant interpretation guidelines (Richards et al. 2015 PMID: 25741868, with internal and published modifications).

Labcorp Genetics (formerly Invitae), Labcorp
Classification: Likely benign for Autosomal dominant polycystic kidney disease. Last evaluated: 2024-03-14. Review status: criteria provided, single submitter. Criteria: Invitae Variant Classification Sherloc (09022015). Collection method: clinical testing. Allele origin: germline.

NM_000297.4(PKD2):c.180G>A (p.Arg60=)

Genes: PKD2 (polycystin 2, transient receptor potential cation channel; plus strand), LOC129992813 (ATAC-STARR-seq lymphoblastoid silent region 15559; plus strand). Cytogenetic location: 4q22.1.
Variant type: single nucleotide variant.
Coding change: c.180G>A on transcript NM_000297.4 (MANE Select); coding-DNA position 180, G replaced by A.
Protein change: p.Arg60=; no amino-acid change (arginine 60 retained).
Molecular consequence: synonymous variant. On other transcripts: non-coding transcript variant (1).
Genome position (GRCh38, 1-based): chr4:88,007,913, G>A. VCF-style: chr4-88007913-G-A. GRCh37 (hg19) VCF-style: chr4-88929065-G-A.
Identifiers: ClinVar variation 704310 (VCV000704310.7), dbSNP rs1263674695, ClinGen allele CA440296610.